The following is an entry in ClinVar:

ClinVar aggregate classification (germline): Likely benign (1 of 4 stars; one submission).

Conditions:
Intellectual developmental disorder with language impairment and early-onset DOPA-responsive dystonia-parkinsonism (IDLDP). Identifiers: Orphanet 660017, MedGen C5677001, MONDO:0859257, OMIM 619911.

Submission:

Centre for Medical Genetics,  Mumbai
Classification: Likely benign for Intellectual developmental disorder with language impairment and early-onset DOPA-responsive dystonia-parkinsonism. Last evaluated: 2026-03-19. Review status: criteria provided, single submitter. Criteria: ACMG Guidelines, 2015. Collection method: provider interpretation. Allele origin: germline. Inheritance: Autosomal dominant inheritance. Affected: no. Observed: 1 variant allele, 1 heterozygote.
Comment: The variant satisfies PM2 criteria; Extremely low frequency in gnomAD population databases. However, the variant satisfies BS2 criteria.

Literature cited by the submitters: PubMed 33585677.

NM_006186.4(NR4A2):c.1603C>T (p.Leu535Phe)

Gene: NR4A2 (nuclear receptor subfamily 4 group A member 2; minus strand). Cytogenetic location: 2q24.1.
Variant type: single nucleotide variant.
Coding change: c.1603C>T on transcript NM_006186.4 (MANE Select); coding-DNA position 1603, C replaced by T.
Protein change: p.Leu535Phe; replaces leucine 535 with phenylalanine.
Molecular consequence: missense variant.
Genome position (GRCh38, 1-based): chr2:156,325,938, G>A on the plus strand (C>T on the coding strand, the complement: NR4A2 is on the minus strand). VCF-style: chr2-156325938-G-A. GRCh37 (hg19) VCF-style: chr2-157182450-G-A.
Other names: c.1414C>T, p.Leu472Phe (NM_173173.3); short protein forms L472F, L535F.
Identifiers: ClinVar variation 4819695 (VCV004819695.1).